The following is an entry in ClinVar:

NM_001039141.3(TRIOBP):c.6671A>G (p.Glu2224Gly)

Gene: TRIOBP (TRIO and F-actin binding protein; plus strand). Cytogenetic location: 22q13.1.
Variant type: single nucleotide variant.
Coding change: c.6671A>G on transcript NM_001039141.3 (MANE Select); coding-DNA position 6671, A replaced by G.
Protein change: p.Glu2224Gly; replaces glutamic acid 2224 with glycine.
Molecular consequence: missense variant.
Genome position (GRCh38, 1-based): chr22:37,769,123, A>G. VCF-style: chr22-37769123-A-G. GRCh37 (hg19) VCF-style: chr22-38165130-A-G.
Other names: c.1532A>G, p.Glu511Gly (NM_007032.5); c.6671A>G (NM_001039141.2); short protein forms E2224G, E511G.
Identifiers: ClinVar variation 1979148 (VCV001979148.5), dbSNP rs780098515, ClinGen allele CA10225135.

ClinVar aggregate classification (germline): Uncertain significance. Review status: criteria provided, multiple submitters, no conflicts (2 of 4 stars). 2 submissions from 2 submitters: Uncertain significance (2). Last evaluated 2025-08-20.

Allele frequency attached by ClinVar (database versions not stated): TOPMed below 0.00001; gnomAD 0.00001; gnomAD exomes 0.00001; ExAC 0.00002.
gnomAD v4.1: 16 of 1,613,102 alleles (0.00099%); highest among the groups gnomAD compares: African/African-American, 0.0013%; no homozygotes.

Submissions (2):

Labcorp Genetics (formerly Invitae), Labcorp
Classification: Uncertain significance. Last evaluated: 2025-08-20. Review status: criteria provided, single submitter. Criteria: Invitae Variant Classification Sherloc (09022015). Collection method: clinical testing. Allele origin: germline.
Comment: This sequence change replaces glutamic acid, which is acidic and polar, with glycine, which is neutral and non-polar, at codon 2224 of the TRIOBP protein (p.Glu2224Gly). This variant is present in population databases (rs780098515, gnomAD 0.0009%). This variant has not been reported in the literature in individuals affected with TRIOBP-related conditions. ClinVar contains an entry for this variant (Variation ID: 1979148). An algorithm developed to predict the effect of missense changes on protein structure and function (PolyPhen-2) suggests that this variant is likely to be disruptive. In summary, the available evidence is currently insufficient to determine the role of this variant in disease. Therefore, it has been classified as a Variant of Uncertain Significance.

GeneDx
Classification: Uncertain significance. Last evaluated: 2024-09-04. Review status: criteria provided, single submitter. Criteria: GeneDx Variant Classification Process June 2021. Collection method: clinical testing. Allele origin: germline. Affected: yes.
Comment: Not observed at significant frequency in large population cohorts (gnomAD); In silico analysis supports that this missense variant has a deleterious effect on protein structure/function; Has not been previously published as pathogenic or benign to our knowledge